The following is an entry in ClinVar:

ClinVar aggregate classification (germline): Uncertain significance (1 of 4 stars; one submission).

Conditions:
Congenital hyperammonemia, type I. Also called: CPS I DEFICIENCY; Carbamoyl phosphate synthetase I deficiency disease; Carbamoyl-phosphate synthase I deficiency; Carbamoyl phosphate synthetase 1 deficiency; Hyperammonemia due to carbamoyl phosphate synthetase 1 deficiency; CPS 1 deficiency. Identifiers: Orphanet 147, MedGen C4082171, MONDO:0009376, OMIM 237300.

Submission:

Myriad Genetics, Inc.
Classification: Uncertain significance for Congenital hyperammonemia, type I. Last evaluated: 2026-03-18. Review status: criteria provided, single submitter. Criteria: Myriad Autosomal Dominant, Autosomal Recessive and X-Linked Classification Criteria (2023). Collection method: clinical testing. Allele origin: unknown.
Comment: NM_001875.4(CPS1):c.3464C>A(A1155E) is a missense variant classified as a variant of uncertain significance in the context of carbamoylphosphate synthetase I deficiency. A1155E has been observed in cases with relevant disease (PMID: 33309754, 34014557). Relevant functional assessments of this variant are not available in the literature. A1155E has not been observed in referenced population frequency databases. In summary, there is insufficient evidence to classify NM_001875.4(CPS1):c.3464C>A(A1155E) as pathogenic or benign. Please note: this variant was assessed in the context of healthy population screening.

Literature cited by the submitters: PubMed 33309754; PubMed 34014557.

NM_001875.5(CPS1):c.3464C>A (p.Ala1155Glu)

Gene: CPS1 (carbamoyl-phosphate synthase 1; plus strand). Cytogenetic location: 2q34.
Variant type: single nucleotide variant.
Coding change: c.3464C>A on transcript NM_001875.5 (MANE Select); coding-DNA position 3464, C replaced by A.
Protein change: p.Ala1155Glu; replaces alanine 1155 with glutamic acid.
Molecular consequence: missense variant. On other transcripts: non-coding transcript variant (2).
Genome position (GRCh38, 1-based): chr2:210,650,422, C>A. VCF-style: chr2-210650422-C-A. GRCh37 (hg19) VCF-style: chr2-211515146-C-A.
Other names: c.3464C>A, p.Ala1155Glu (NM_001122633.3, NM_001369257.1); c.3497C>A, p.Ala1166Glu (NM_001369256.1); short protein forms A1166E, A1155E.
Identifiers: ClinVar variation 5003283 (VCV005003283.1).